The following is an entry in ClinVar:

NM_001366385.1(CARD14):c.1979-15G>A

Genes: CARD14 (caspase recruitment domain family member 14; plus strand), SGSH (N-sulfoglucosamine sulfohydrolase; minus strand). Cytogenetic location: 17q25.3.
Variant type: single nucleotide variant.
Coding change: c.1979-15G>A on transcript NM_001366385.1 (MANE Select); 15 bases into the intron before coding-DNA position 1979, G replaced by A.
Molecular consequence: intron variant.
Genome position (GRCh38, 1-based): chr17:80,202,165, G>A. VCF-style: chr17-80202165-G-A. GRCh37 (hg19) VCF-style: chr17-78175964-G-A.
Other names: c.1979-15G>A (NM_024110.4, NM_001257970.1).
Identifiers: ClinVar variation 1164982 (VCV001164982.24), dbSNP rs199898989, ClinGen allele CA8817155.

ClinVar aggregate classification (germline): Benign/Likely benign. Review status: criteria provided, multiple submitters, no conflicts (2 of 4 stars). 3 submissions from 3 submitters: Benign (1); Likely benign (2). Last evaluated 2026-01-28.

Conditions:
Psoriasis 2. Identifiers: MedGen C1864497, MONDO:0011269, OMIM 602723.
Pityriasis rubra pilaris (PRP). Also called: Pityriasis rubra pilaris--familial type. Identifiers: Orphanet 2897, MedGen C0032027, MONDO:0100017, OMIM 173200, MONDO:0008251.

Allele frequency attached by ClinVar (database versions not stated): 1000 Genomes Project 30x 0.00047; 1000 Genomes Project 0.00060; TOPMed 0.00160; ESP Exome Variant Server 0.00177; gnomAD 0.00293 and 0.00303; ExAC 0.00299; gnomAD exomes 0.00312 and 0.00352.
gnomAD v4.1: 5,442 of 1,601,180 alleles (0.34%); highest among the groups gnomAD compares: Non-Finnish European, 0.36%; 21 homozygotes.

Submissions (3):

Labcorp Genetics (formerly Invitae), Labcorp
Classification: Benign for Pityriasis rubra pilaris; Psoriasis 2. Last evaluated: 2026-01-28. Review status: criteria provided, single submitter. Criteria: Invitae Variant Classification Sherloc (09022015). Collection method: clinical testing. Allele origin: germline.

CeGaT Center for Human Genetics Tuebingen
Classification: Likely benign. Last evaluated: 2025-06-01. Review status: criteria provided, single submitter. Criteria: CeGaT Center For Human Genetics Tuebingen Variant Classification Criteria Version 2. Collection method: clinical testing. Allele origin: germline. Affected: yes. Observed: 2 variant alleles.
Comment: ENSG00000262580: BS2

Blueprint Genetics
Classification: Likely benign. Last evaluated: 2024-11-23. Review status: criteria provided, single submitter. Criteria: ACMG Guidelines, 2015. Collection method: clinical testing. Allele origin: germline.